The following is an entry in ClinVar:

NM_022124.6(CDH23):c.4274del (p.Ala1425fs)

Gene: CDH23 (cadherin related 23; plus strand). Cytogenetic location: 10q22.1.
Variant type: Deletion.
Coding change: c.4274del on transcript NM_022124.6 (MANE Select); coding-DNA position 4274, one base deleted (C; older notation c.4274delC).
Protein change: p.Ala1425fs; shifts the reading frame from alanine 1425.
Molecular consequence: frameshift variant.
Genome position (GRCh38, 1-based): chr10:71,738,562, C deleted. VCF-style (leftmost placement, unchanged base first): chr10-71738561-GC-G. GRCh37 (hg19) VCF-style: chr10-73498318-GC-G.
Other names: short protein forms A1425fs.
Identifiers: ClinVar variation 1352849 (VCV001352849.6), dbSNP rs2132841425, ClinGen allele CA2573145440.
Genomic context (GRCh38, chr10:71,738,561, plus strand): 5'-TACATCACTGTGCTGGACGAGAATGACAACAGCCCCCGGTTTGACTTCACCTCCGACTCG[GC>G]GGTCAGCATACCCGAGGACTGCCCTGTGGGCCAGCGAGTGGCTACTGTCAAGGCCTGGGA-3'

ClinVar aggregate classification (germline): Pathogenic (1 of 4 stars; one submission).

Submission:

Labcorp Genetics (formerly Invitae), Labcorp
Classification: Pathogenic. Last evaluated: 2021-10-25. Review status: criteria provided, single submitter. Criteria: Invitae Variant Classification Sherloc (09022015). Collection method: clinical testing. Allele origin: germline.
Comment: This sequence change creates a premature translational stop signal (p.Ala1425Glyfs*91) in the CDH23 gene. It is expected to result in an absent or disrupted protein product. Loss-of-function variants in CDH23 are known to be pathogenic (PMID: 11138009, 21940737). This variant is not present in population databases (ExAC no frequency). This variant has not been reported in the literature in individuals affected with CDH23-related conditions. For these reasons, this variant has been classified as Pathogenic.

Literature cited by the submitters: PubMed 11138009; PubMed 21940737.